The following is an entry in ClinVar:

NM_016507.4(CDK12):c.1265G>T (p.Gly422Val)

Gene: CDK12 (cyclin dependent kinase 12; plus strand). Cytogenetic location: 17q12.
Variant type: single nucleotide variant.
Coding change: c.1265G>T on transcript NM_016507.4 (MANE Select); coding-DNA position 1265, G replaced by T.
Protein change: p.Gly422Val; replaces glycine 422 with valine.
Molecular consequence: missense variant.
Genome position (GRCh38, 1-based): chr17:39,471,097, G>T. VCF-style: chr17-39471097-G-T. GRCh37 (hg19) VCF-style: chr17-37627350-G-T.
Other names: c.1265G>T, p.Gly422Val (NM_015083.4); short protein forms G422V.
Identifiers: ClinVar variation 3489177 (VCV003489177.1).
Genomic context (GRCh38, chr17:39,471,097, plus strand): 5'-AAAAGAAGGAAAGAGCAGCTGCTGCTGCTGCAGCAAAGATGGATGGAAAGGAGTCCAAGG[G>T]TTCACCTGTATTTTTGCCTAGAAAAGAGAACAGTTCAGTAGAGGCTAAGGATTCAGGTTT-3'
Protein context (NP_057591.2, residues 412-432): AAKMDGKESK[Gly422Val]SPVFLPRKEN

ClinVar aggregate classification (germline): Uncertain significance (1 of 4 stars; one submission).

gnomAD v4.1: 4 of 1,610,856 alleles (0.00025%); highest among the groups gnomAD compares: Non-Finnish European, 0.000085%; no homozygotes.

Submission:

Ambry Genetics
Classification: Uncertain significance. Last evaluated: 2024-10-15. Review status: criteria provided, single submitter. Criteria: Ambry Variant Classification Scheme 2023. Collection method: clinical testing. Allele origin: germline.
Comment: The p.G422V variant (also known as c.1265G>T), located in coding exon 2 of the CDK12 gene, results from a G to T substitution at nucleotide position 1265. The glycine at codon 422 is replaced by valine, an amino acid with dissimilar properties. This amino acid position is conserved. In addition, this alteration is predicted to be tolerated by in silico analysis. Based on the available evidence, the clinical significance of this variant remains unclear.